The following is an entry in ClinVar:

ClinVar aggregate classification (germline): Likely benign. Review status: criteria provided, multiple submitters, no conflicts (2 of 4 stars). 2 submissions from 2 submitters: Likely benign (2). Last evaluated 2018-06-19.

Allele frequency attached by ClinVar (database versions not stated): gnomAD exomes 0.04930; gnomAD 0.05369 and 0.05402; TOPMed 0.06246; 1000 Genomes Project 0.06569; 1000 Genomes Project 30x 0.06793.
gnomAD v4.1: 64,097 of 1,275,482 alleles (5%); highest among the groups gnomAD compares: Admixed American, 14%; 2,081 homozygotes.

Submissions (2):

GeneDx
Classification: Likely benign. Last evaluated: 2018-06-19. Review status: criteria provided, single submitter. Criteria: GeneDx Variant Classification (06012015). Collection method: clinical testing. Allele origin: germline. Affected: yes.
Comment: This variant is considered likely benign or benign based on one or more of the following criteria: it is a conservative change, it occurs at a poorly conserved position in the protein, it is predicted to be benign by multiple in silico algorithms, and/or has population frequency not consistent with disease.

Breakthrough Genomics
Classification: Likely benign. Review status: criteria provided, single submitter. Criteria: ACMG Guidelines, 2015. Collection method: not provided. Allele origin: germline. Inheritance: Autosomal recessive inheritance. Affected: yes.

NM_001077365.2(POMT1):c.1272+84C>T

Gene: POMT1 (protein O-mannosyltransferase 1; plus strand). Cytogenetic location: 9q34.13.
Variant type: single nucleotide variant.
Coding change: c.1272+84C>T on transcript NM_001077365.2 (MANE Select); 84 bases into the intron after coding-DNA position 1272, C replaced by T.
Molecular consequence: intron variant.
Genome position (GRCh38, 1-based): chr9:131,515,606, C>T. VCF-style: chr9-131515606-C-T. GRCh37 (hg19) VCF-style: chr9-134390993-C-T.
Other names: c.1176+84C>T (NM_001353198.2, NM_001353197.2); c.1338+84C>T (NM_001353193.2, NM_007171.4); c.1272+84C>T (NM_001136113.2, NM_001374690.1); c.1110+84C>T (NM_001353194.2, NM_001077366.2); c.921+84C>T (NM_001374691.1, NM_001353195.2, NM_001374692.1 and 2 more transcripts); c.1182+84C>T (NM_001353196.2); c.882+84C>T (NM_001374695.1); c.1260+84C>T (NM_001374689.1); and 2 more.
Identifiers: ClinVar variation 668008 (VCV000668008.2), dbSNP rs77373739, ClinGen allele CA13040146.